The following is an entry in ClinVar:

NM_015135.3(NUP205):c.5035A>G (p.Ile1679Val)

Gene: NUP205 (nucleoporin 205; plus strand). Cytogenetic location: 7q33.
Variant type: single nucleotide variant.
Coding change: c.5035A>G on transcript NM_015135.3 (MANE Select); coding-DNA position 5035, A replaced by G.
Protein change: p.Ile1679Val; replaces isoleucine 1679 with valine.
Molecular consequence: missense variant.
Genome position (GRCh38, 1-based): chr7:135,630,446, A>G. VCF-style: chr7-135630446-A-G. GRCh37 (hg19) VCF-style: chr7-135315194-A-G.
Other names: c.3961A>G, p.Ile1321Val (NM_001329434.2); short protein forms I1321V, I1679V.
Identifiers: ClinVar variation 3036150 (VCV003036150.4), dbSNP rs1334642342, ClinGen allele CA369361237.
Genomic context (GRCh38, chr7:135,630,446, plus strand): 5'-ATTCTGCGCTGTCAGGATGTTAGTGCTGGGTCTTTGCAGGAATTGGCTCTGCTGACAGGA[A>G]TTATAAGTAAAGCAGCACTTCCTGGTGAGTTGATTATGTTGAAAGGATTTTTAATAATTC-3'
Protein context (NP_055950.2, residues 1669-1689): SLQELALLTG[Ile1679Val]ISKAALPGIL

ClinVar aggregate classification (germline): Uncertain significance. Review status: criteria provided, multiple submitters, no conflicts (2 of 4 stars). 3 submissions from 3 submitters: Uncertain significance (2). 1 of the submissions does not count toward it. Last evaluated 2025-08-17.

Conditions:
NUP205-related disorder. Also called: NUP205-related condition.

Allele frequency attached by ClinVar (database versions not stated): gnomAD 0.00001; gnomAD exomes 0.00001; TOPMed 0.00002.
gnomAD v4.1: 7 of 1,608,632 alleles (0.00044%); highest among the groups gnomAD compares: Admixed American, 0.012%; no homozygotes.

Submissions (3):

Labcorp Genetics (formerly Invitae), Labcorp
Classification: Uncertain significance. Last evaluated: 2025-08-17. Review status: criteria provided, single submitter. Criteria: Invitae Variant Classification Sherloc (09022015). Collection method: clinical testing. Allele origin: germline.
Comment: This sequence change replaces isoleucine, which is neutral and non-polar, with valine, which is neutral and non-polar, at codon 1679 of the NUP205 protein (p.Ile1679Val). This variant is present in population databases (no rsID available, gnomAD 0.009%). This variant has not been reported in the literature in individuals affected with NUP205-related conditions. ClinVar contains an entry for this variant (Variation ID: 3036150). Invitae Evidence Modeling of protein sequence and biophysical properties (such as structural, functional, and spatial information, amino acid conservation, physicochemical variation, residue mobility, and thermodynamic stability) indicates that this missense variant is not expected to disrupt NUP205 protein function with a negative predictive value of 80%. In summary, the available evidence is currently insufficient to determine the role of this variant in disease. Therefore, it has been classified as a Variant of Uncertain Significance.

Ambry Genetics
Classification: Uncertain significance. Last evaluated: 2025-05-06. Review status: criteria provided, single submitter. Criteria: Ambry Variant Classification Scheme 2023. Collection method: clinical testing. Allele origin: germline.

PreventionGenetics, part of Exact Sciences
Classification: Uncertain significance for NUP205-related condition. Last evaluated: 2024-01-17. Review status: no assertion criteria provided. Collection method: clinical testing. Allele origin: germline. Not counted in ClinVar's aggregate classification.
Comment: The NUP205 c.5035A>G variant is predicted to result in the amino acid substitution p.Ile1679Val. To our knowledge, this variant has not been reported in the literature. This variant is reported in 0.0088% of alleles in individuals of Latino descent in gnomAD. At this time, the clinical significance of this variant is uncertain due to the absence of conclusive functional and genetic evidence.